The following is an entry in ClinVar:

NM_031443.4(CCM2):c.803+3G>C

Gene: CCM2 (CCM2 scaffold protein; plus strand). Cytogenetic location: 7p13.
Variant type: single nucleotide variant.
Coding change: c.803+3G>C on transcript NM_031443.4 (MANE Select); 3 bases into the intron after coding-DNA position 803, G replaced by C.
Molecular consequence: intron variant.
Genome position (GRCh38, 1-based): chr7:45,072,786, G>C. VCF-style: chr7-45072786-G-C. GRCh37 (hg19) VCF-style: chr7-45112385-G-C.
Other names: c.926+3G>C (NM_001363458.2); c.530+3G>C (NM_001167935.2); c.752+3G>C (NM_001363459.2); c.629+3G>C (NM_001167934.2); c.866+3G>C (NM_001029835.2).
Identifiers: ClinVar variation 4813397 (VCV004813397.1).
Genomic context (GRCh38, chr7:45,072,786, plus strand): 5'-ATGACTCTTCTACAAAAGTGGACATTAAGGAGACCTACGAGGTGGAAGCCAGCACTTTGT[G>C]AGTGCACATGCCACCAAGCCCTGCGGTGGGACACGCACCAAATGCGTTGTCTGGTGTTGT-3'

ClinVar aggregate classification (germline): Uncertain significance (1 of 4 stars; one submission).

gnomAD v4.1: 1 of 1,610,550 alleles (0.000062%); highest among the groups gnomAD compares: African/African-American, 0.0013%; no homozygotes.

Submission:

GeneDx
Classification: Uncertain significance. Last evaluated: 2025-09-15. Review status: criteria provided, single submitter. Criteria: GeneDx Variant Classification Process June 2021. Collection method: clinical testing. Allele origin: germline. Affected: yes.
Comment: Not observed at significant frequency in large population cohorts (gnomAD); In silico analysis supports a deleterious effect on splicing; Has not been previously published as pathogenic or benign to our knowledge